The following is an entry in ClinVar:

NM_017617.5(NOTCH1):c.7188C>G (p.Asn2396Lys)

Gene: NOTCH1 (notch receptor 1; minus strand). Cytogenetic location: 9q34.3.
Variant type: single nucleotide variant.
Coding change: c.7188C>G on transcript NM_017617.5 (MANE Select); coding-DNA position 7188, C replaced by G.
Protein change: p.Asn2396Lys; replaces asparagine 2396 with lysine.
Molecular consequence: missense variant.
Genome position (GRCh38, 1-based): chr9:136,496,551, G>C on the plus strand (C>G on the coding strand, the complement: NOTCH1 is on the minus strand). VCF-style: chr9-136496551-G-C. GRCh37 (hg19) VCF-style: chr9-139391003-G-C.
Other names: c.7188C>G (NM_017617.3); short protein forms N2396K.
Identifiers: ClinVar variation 1412758 (VCV001412758.9), dbSNP rs1842917968, ClinGen allele CA375627754.

ClinVar aggregate classification (germline): Uncertain significance. Review status: criteria provided, multiple submitters, no conflicts (2 of 4 stars). 2 submissions from 2 submitters: Uncertain significance (2). Last evaluated 2025-10-08.

Conditions:
Adams-Oliver syndrome 5 (AOS5). Identifiers: Orphanet 974, MedGen C4014970, MONDO:0014459, OMIM 616028.
Familial thoracic aortic aneurysm and aortic dissection (TAAD). Also called: Thoracic aortic aneurysms and dissections. Identifiers: Orphanet 91387, MedGen C4707243, MONDO:0019625.

Allele frequency attached by ClinVar (database versions not stated): gnomAD 0.00001; TOPMed 0.00001.
gnomAD v4.1: 3 of 1,609,842 alleles (0.00019%); highest among the groups gnomAD compares: Non-Finnish European, 0.00025%; no homozygotes.

Submissions (2):

Labcorp Genetics (formerly Invitae), Labcorp
Classification: Uncertain significance for Adams-Oliver syndrome 5. Last evaluated: 2025-10-08. Review status: criteria provided, single submitter. Criteria: Invitae Variant Classification Sherloc (09022015). Collection method: clinical testing. Allele origin: germline.
Comment: This sequence change replaces asparagine, which is neutral and polar, with lysine, which is basic and polar, at codon 2396 of the NOTCH1 protein (p.Asn2396Lys). This variant is not present in population databases (gnomAD no frequency). This variant has not been reported in the literature in individuals affected with NOTCH1-related conditions. ClinVar contains an entry for this variant (Variation ID: 1412758). Invitae Evidence Modeling of protein sequence and biophysical properties (such as structural, functional, and spatial information, amino acid conservation, physicochemical variation, residue mobility, and thermodynamic stability) indicates that this missense variant is not expected to disrupt NOTCH1 protein function with a negative predictive value of 95%. In summary, the available evidence is currently insufficient to determine the role of this variant in disease. Therefore, it has been classified as a Variant of Uncertain Significance.

Ambry Genetics
Classification: Uncertain significance for Familial thoracic aortic aneurysm and aortic dissection. Last evaluated: 2022-12-25. Review status: criteria provided, single submitter. Criteria: Ambry Variant Classification Scheme 2023. Collection method: clinical testing. Allele origin: germline.
Comment: The p.N2396K variant (also known as c.7188C>G), located in coding exon 34 of the NOTCH1 gene, results from a C to G substitution at nucleotide position 7188. The asparagine at codon 2396 is replaced by lysine, an amino acid with similar properties. This amino acid position is conserved. In addition, this alteration is predicted to be tolerated by in silico analysis. Since supporting evidence is limited at this time, the clinical significance of this alteration remains unclear.